The following is an entry in ClinVar:

ClinVar aggregate classification (germline): Pathogenic (1 of 4 stars; one submission).

Conditions:
Pyruvate carboxylase deficiency. Also called: ATAXIA WITH LACTIC ACIDOSIS II; LEIGH NECROTIZING ENCEPHALOPATHY DUE TO PYRUVATE CARBOXYLASE DEFICIENCY; LEIGH SYNDROME DUE TO PYRUVATE CARBOXYLASE DEFICIENCY; PC DEFICIENCY; Pyruvate Carboxylase Deficiency Disease. Identifiers: Orphanet 3008, MedGen C0034341, MONDO:0009949, OMIM 266150.

Submission:

Labcorp Genetics (formerly Invitae), Labcorp
Classification: Pathogenic for Pyruvate carboxylase deficiency. Last evaluated: 2023-02-04. Review status: criteria provided, single submitter. Criteria: Invitae Variant Classification Sherloc (09022015). Collection method: clinical testing. Allele origin: germline.
Comment: For these reasons, this variant has been classified as Pathogenic. This variant has not been reported in the literature in individuals affected with PC-related conditions. This variant is not present in population databases (gnomAD no frequency). This sequence change creates a premature translational stop signal (p.Asn669Trpfs*9) in the PC gene. It is expected to result in an absent or disrupted protein product. Loss-of-function variants in PC are known to be pathogenic (PMID: 12112657, 19306334).

Literature cited by the submitters: PubMed 12112657; PubMed 19306334.

NM_001040716.2(PC):c.2004_2005del (p.Asn669fs)

Gene: PC (pyruvate carboxylase; minus strand). Cytogenetic location: 11q13.2.
Variant type: Microsatellite.
Coding change: c.2004_2005del on transcript NM_001040716.2 (MANE Select); coding-DNA positions 2004 to 2005, 2 bases deleted (GA; older notation c.2004_2005delGA).
Protein change: p.Asn669fs; shifts the reading frame from asparagine 669.
Molecular consequence: frameshift variant.
Genome position (GRCh38, 1-based): chr11:66,851,258-66,851,259, TC deleted on the plus strand (GA on the coding strand, the reverse complement: PC is on the minus strand); deleting any 2 consecutive bases within chr11:66,851,258-66,851,262 gives the same sequence; the c. name uses the placement nearest the transcript's 3' end. VCF-style (leftmost placement, unchanged base first): chr11-66851257-TTC-T. GRCh37 (hg19) VCF-style: chr11-66618728-TTC-T.
Other names: c.2004_2005del, p.Asn669fs (NM_000920.4, NM_022172.3); short protein forms N669fs.
Identifiers: ClinVar variation 2834508 (VCV002834508.3), dbSNP rs2495456777, ClinGen allele CA2739270597.